The following is an entry in ClinVar:

NM_001395413.1(POR):c.1512C>T (p.Gly504=)

Gene: POR (cytochrome p450 oxidoreductase; plus strand). Cytogenetic location: 7q11.23.
Variant type: single nucleotide variant.
Coding change: c.1512C>T on transcript NM_001395413.1 (MANE Select); coding-DNA position 1512, C replaced by T.
Protein change: p.Gly504=; no amino-acid change (glycine 504 retained).
Molecular consequence: synonymous variant.
Genome position (GRCh38, 1-based): chr7:75,985,701, C>T. VCF-style: chr7-75985701-C-T. GRCh37 (hg19) VCF-style: chr7-75615019-C-T.
Other names: c.1512C>T, p.Gly504= (NM_001367562.3, NM_001382657.2, NM_001382658.3 and 1 more transcripts); c.1566C>T, p.Gly522= (NM_001382655.3); c.1362C>T, p.Gly454= (NM_001382662.3).
Identifiers: ClinVar variation 360712 (VCV000360712.26), dbSNP rs370823127, ClinGen allele CA4304174.

ClinVar aggregate classification (germline): Conflicting classifications of pathogenicity. Review status: criteria provided, conflicting classifications (1 of 4 stars). 6 submissions from 6 submitters: Uncertain significance (1); Benign (1); Likely benign (4). Last evaluated 2026-03-01.

Conditions:
Congenital adrenal hyperplasia due to cytochrome P450 oxidoreductase deficiency. Also called: DISORDERED STEROIDOGENESIS DUE TO POR DEFICIENCY. Identifiers: Orphanet 95699, MedGen C1860042, MONDO:0013310, OMIM 613571.

Allele frequency attached by ClinVar (database versions not stated): gnomAD 0.00029; TOPMed 0.00033; ESP Exome Variant Server 0.00048; 1000 Genomes Project 0.00060; 1000 Genomes Project 30x 0.00062.
gnomAD v4.1: 518 of 1,588,148 alleles (0.033%); highest among the groups gnomAD compares: Middle Eastern, 0.27%; 1 homozygote.

Submissions (6):

CeGaT Center for Human Genetics Tuebingen
Classification: Likely benign. Last evaluated: 2026-03-01. Review status: criteria provided, single submitter. Criteria: CeGaT Center For Human Genetics Tuebingen Variant Classification Criteria Version 2. Collection method: clinical testing. Allele origin: germline. Affected: yes. Observed: 1 variant allele.
Comment: POR: BP4, BP7

Labcorp Genetics (formerly Invitae), Labcorp
Classification: Benign for Congenital adrenal hyperplasia due to cytochrome P450 oxidoreductase deficiency. Last evaluated: 2026-01-26. Review status: criteria provided, single submitter. Criteria: Invitae Variant Classification Sherloc (09022015). Collection method: clinical testing. Allele origin: germline.

Blueprint Genetics
Classification: Likely benign. Last evaluated: 2024-11-27. Review status: criteria provided, single submitter. Criteria: ACMG Guidelines, 2015. Collection method: clinical testing. Allele origin: germline.

GeneDx
Classification: Likely benign. Last evaluated: 2021-06-21. Review status: criteria provided, single submitter. Criteria: GeneDx Variant Classification Process June 2021. Collection method: clinical testing. Allele origin: germline. Affected: yes.

ARUP Laboratories, Molecular Genetics and Genomics, ARUP Laboratories
Classification: Likely benign. Last evaluated: 2018-07-19. Review status: criteria provided, single submitter. Criteria: ARUP Molecular Germline Variant Investigation Process. Collection method: clinical testing. Allele origin: germline.

Illumina Laboratory Services, Illumina
Classification: Uncertain significance for Congenital adrenal hyperplasia due to cytochrome P450 oxidoreductase deficiency. Last evaluated: 2018-01-13. Review status: criteria provided, single submitter. Criteria: ICSL Variant Classification Criteria 13 December 2019. Collection method: clinical testing. Allele origin: germline.